The following is an entry in ClinVar:

NM_015046.7(SETX):c.6955G>A (p.Glu2319Lys)

Gene: SETX (senataxin; minus strand). Cytogenetic location: 9q34.13.
Variant type: single nucleotide variant.
Coding change: c.6955G>A on transcript NM_015046.7 (MANE Select); coding-DNA position 6955, G replaced by A.
Protein change: p.Glu2319Lys; replaces glutamic acid 2319 with lysine.
Molecular consequence: missense variant.
Genome position (GRCh38, 1-based): chr9:132,275,401, C>T on the plus strand (G>A on the coding strand, the complement: SETX is on the minus strand). VCF-style: chr9-132275401-C-T. GRCh37 (hg19) VCF-style: chr9-135150788-C-T.
Other names: c.6955G>A, p.Glu2319Lys (NM_001351527.2, NM_001351528.2); short protein forms E2319K.
Identifiers: ClinVar variation 5002753 (VCV005002753.1).

ClinVar aggregate classification (germline): Uncertain significance (1 of 4 stars; one submission).

Conditions:
Amyotrophic lateral sclerosis type 4 (ALS4). Also called: AMYOTROPHIC LATERAL SCLEROSIS 4, JUVENILE; NEURONOPATHY, DISTAL HEREDITARY MOTOR, WITH PYRAMIDAL FEATURES. Identifiers: Orphanet 357043, MedGen C1865409, MONDO:0011223, OMIM 602433.

Submission:

OLLIN Analises Genomicas, OLLIN
Classification: Uncertain significance for Amyotrophic lateral sclerosis type 4. Last evaluated: 2026-08-06. Review status: criteria provided, single submitter. Criteria: ACMG Guidelines 2015 PMID 25741868. Collection method: clinical testing. Allele origin: germline. Inheritance: Autosomal dominant inheritance.
Comment: This missense variant, located in exon 23 (of 26), is absent from gnomAD and ClinVar and has not been identified in the literature. In silico analysis predicts that this variant has a deleterious effect. According to the currently available evidence, this variant has been classified as uncertain significance (PM2_P, PP3_M).